The following is an entry in ClinVar:

ClinVar aggregate classification (germline): Conflicting classifications of pathogenicity. Review status: criteria provided, conflicting classifications (1 of 4 stars). 4 submissions from 4 submitters: Uncertain significance (3); Likely benign (1). Last evaluated 2024-07-18.

Conditions:
Spastic paraplegia. Identifiers: MedGen C0037772, HP:0001258.

Allele frequency attached by ClinVar (database versions not stated): ExAC 0.00001; gnomAD exomes 0.00002 and 0.00004; gnomAD 0.00003 and 0.00004; TOPMed 0.00004.
gnomAD v4.1: 56 of 1,613,420 alleles (0.0035%); highest among the groups gnomAD compares: Non-Finnish European, 0.0038%; no homozygotes.

Submissions (4):

Blueprint Genetics
Classification: Uncertain significance. Last evaluated: 2024-07-18. Review status: criteria provided, single submitter. Criteria: ACMG Guidelines, 2015. Collection method: clinical testing. Allele origin: germline.

Labcorp Genetics (formerly Invitae), Labcorp
Classification: Likely benign for Spastic paraplegia. Last evaluated: 2024-02-16. Review status: criteria provided, single submitter. Criteria: Invitae Variant Classification Sherloc (09022015). Collection method: clinical testing. Allele origin: germline.

Mayo Clinic Laboratories, Mayo Clinic
Classification: Uncertain significance. Last evaluated: 2023-09-29. Review status: criteria provided, single submitter. Criteria: ACMG Guidelines, 2015. Collection method: clinical testing. Allele origin: germline. Observed: 2 variant alleles.
Comment: PM2_moderate

GeneDx
Classification: Uncertain significance. Last evaluated: 2019-10-15. Review status: criteria provided, single submitter. Criteria: GeneDx Variant Classification Process June 2021. Collection method: clinical testing. Allele origin: germline. Affected: yes.
Comment: Not observed at a significant frequency in large population cohorts (Lek et al., 2016); In silico analysis, which includes protein predictors and evolutionary conservation, supports that this variant does not alter protein structure/function; Has not been previously published as pathogenic or benign to our knowledge

NM_014363.6(SACS):c.11276C>T (p.Thr3759Met)

Gene: SACS (sacsin molecular chaperone; minus strand). Cytogenetic location: 13q12.12.
Variant type: single nucleotide variant.
Coding change: c.11276C>T on transcript NM_014363.6 (MANE Select); coding-DNA position 11276, C replaced by T.
Protein change: p.Thr3759Met; replaces threonine 3759 with methionine.
Molecular consequence: missense variant.
Genome position (GRCh38, 1-based): chr13:23,332,600, G>A on the plus strand (C>T on the coding strand, the complement: SACS is on the minus strand). VCF-style: chr13-23332600-G-A. GRCh37 (hg19) VCF-style: chr13-23906739-G-A.
Other names: p.Thr3759Met; c.10835C>T, p.Thr3612Met (NM_001278055.2); short protein forms T3612M, T3759M.
Identifiers: ClinVar variation 1302959 (VCV001302959.8), dbSNP rs751176093, ClinGen allele CA6910311.